The following is an entry in ClinVar:

NM_032932.6(RAB11FIP4):c.1366C>T (p.Arg456Cys)

Gene: RAB11FIP4 (RAB11 family interacting protein 4; plus strand). Cytogenetic location: 17q11.2.
Variant type: single nucleotide variant.
Coding change: c.1366C>T on transcript NM_032932.6 (MANE Select); coding-DNA position 1366, C replaced by T.
Protein change: p.Arg456Cys; replaces arginine 456 with cysteine.
Molecular consequence: missense variant.
Genome position (GRCh38, 1-based): chr17:31,528,415, C>T. VCF-style: chr17-31528415-C-T. GRCh37 (hg19) VCF-style: chr17-29855433-C-T.
Other names: c.1366C>T (NM_032932.5); c.586C>T, p.Arg196Cys (NM_001346749.2); c.1060C>T, p.Arg354Cys (NM_001303542.3); c.865C>T, p.Arg289Cys (NM_001346747.2); c.943C>T, p.Arg315Cys (NM_001346748.2); short protein forms R289C, R196C, R354C, R456C, R315C.
Identifiers: ClinVar variation 3312083 (VCV003312083.2).

ClinVar aggregate classification (germline): Uncertain significance. Review status: criteria provided, multiple submitters, no conflicts (2 of 4 stars). 2 submissions from 2 submitters: Uncertain significance (2). Last evaluated 2025-03-14.

Conditions:
RAB11FIP4-related condition.

gnomAD v4.1: 11 of 1,612,508 alleles (0.00068%); highest among the groups gnomAD compares: East Asian, 0.0022%; no homozygotes.

Submissions (2):

PreventionGenetics, part of Exact Sciences
Classification: Uncertain significance for RAB11FIP4-related condition. Last evaluated: 2025-03-14. Review status: criteria provided, single submitter. Criteria: ACMG Guidelines, 2015. Collection method: clinical testing. Allele origin: germline.
Comment: The RAB11FIP4 c.1366C>T variant is predicted to result in the amino acid substitution p.Arg456Cys. To our knowledge, this variant has not been reported in the literature or in a large population database (gnomAD), indicating the variant is rare. At this time, the clinical significance of this variant is uncertain due to the absence of conclusive functional and genetic evidence.

Ambry Genetics
Classification: Uncertain significance. Last evaluated: 2024-04-01. Review status: criteria provided, single submitter. Criteria: Ambry Variant Classification Scheme 2023. Collection method: clinical testing. Allele origin: germline.